The following is an entry in ClinVar:

ClinVar aggregate classification (germline): Pathogenic. Review status: criteria provided, multiple submitters, no conflicts (2 of 4 stars). 2 submissions from 2 submitters: Pathogenic (2). Last evaluated 2021-03-01.

Conditions:
Familial thoracic aortic aneurysm and aortic dissection (TAAD). Also called: Thoracic aortic aneurysms and dissections. Identifiers: Orphanet 91387, MedGen C4707243, MONDO:0019625.
Marfan syndrome (MFS). Also called: FBN1-Related Marfan Syndrome; Marfan syndrome type 1; Marfan's syndrome; Marfan syndrome, classic; MARFAN SYNDROME, TYPE I. Identifiers: Orphanet 284963, Orphanet 558, MedGen C0024796, MONDO:0007947, OMIM 154700.

Submissions (2):

Centre of Medical Genetics, University of Antwerp
Classification: Pathogenic for Marfan syndrome. Last evaluated: 2021-03-01. Review status: criteria provided, single submitter. Criteria: Submitter's publication. Collection method: research. Allele origin: unknown. Affected: yes.
Comment: PM2, PVS1, PP4

Labcorp Genetics (formerly Invitae), Labcorp
Classification: Pathogenic for Marfan syndrome; Familial thoracic aortic aneurysm and aortic dissection. Last evaluated: 2018-09-13. Review status: criteria provided, single submitter. Criteria: Invitae Variant Classification Sherloc (09022015). Collection method: clinical testing. Allele origin: germline.
Comment: For these reasons, this variant has been classified as Pathogenic. Loss-of-function variants in FBN1 are known to be pathogenic (PMID: 17657824, 19293843). This nonsense change has been observed in an individual affected with Marfan syndrome (PMID: 27085269). This variant is not present in population databases (ExAC no frequency). This sequence change creates a premature translational stop signal (p.Tyr1831*) in the FBN1 gene. It is expected to result in an absent or disrupted protein product.

Literature cited by the submitters: PubMed 17657824 (cited by Labcorp Genetics (formerly Invitae), Labcorp); PubMed 19293843 (cited by Labcorp Genetics (formerly Invitae), Labcorp); PubMed 27085269 (cited by Labcorp Genetics (formerly Invitae), Labcorp).

NM_000138.5(FBN1):c.5493C>A (p.Tyr1831Ter)

Gene: FBN1 (fibrillin 1; minus strand). Cytogenetic location: 15q21.1.
Variant type: single nucleotide variant.
Coding change: c.5493C>A on transcript NM_000138.5 (MANE Select); coding-DNA position 5493, C replaced by A.
Protein change: p.Tyr1831Ter; replaces tyrosine 1831 with a stop codon.
Molecular consequence: nonsense.
Genome position (GRCh38, 1-based): chr15:48,452,614, G>T on the plus strand (C>A on the coding strand, the complement: FBN1 is on the minus strand). VCF-style: chr15-48452614-G-T. GRCh37 (hg19) VCF-style: chr15-48744811-G-T.
Other names: short protein forms Y1831*.
Identifiers: ClinVar variation 647484 (VCV000647484.25), dbSNP rs1555396201, ClinGen allele CA392344182.